The following is an entry in ClinVar:

ClinVar aggregate classification (germline): Uncertain significance (1 of 4 stars; one submission).

Submission:

Women's Health and Genetics/Laboratory Corporation of America, LabCorp
Classification: Uncertain significance. Last evaluated: 2024-12-23. Review status: criteria provided, single submitter. Criteria: LabCorp Variant Classification Summary - May 2015. Collection method: clinical testing. Allele origin: germline.
Comment: Variant summary: MVK c.887A>G (p.Glu296Gly) results in a non-conservative amino acid change in the encoded protein sequence. Five of five in-silico tools predict a damaging effect of the variant on protein function. The variant was absent in 251250 control chromosomes (gnomAD). The available data on variant occurrences in the general population are insufficient to allow any conclusion about variant significance. c.887A>G has been reported in the literature in an individual affected with Mevalonic aciduria (Berody_2015). These data do not allow any conclusion about variant significance. To our knowledge, no experimental evidence demonstrating an impact on protein function has been reported. The following publication has been ascertained in the context of this evaluation (PMID: 25677409). No submitters have cited clinical-significance assessments for this variant to ClinVar. Based on the evidence outlined above, the variant was classified as uncertain significance.

Literature cited by the submitters: PubMed 25677409.

NM_000431.4(MVK):c.887A>G (p.Glu296Gly)

Gene: MVK (mevalonate kinase; plus strand). Cytogenetic location: 12q24.11.
Variant type: single nucleotide variant.
Coding change: c.887A>G on transcript NM_000431.4 (MANE Select); coding-DNA position 887, A replaced by G.
Protein change: p.Glu296Gly; replaces glutamic acid 296 with glycine.
Molecular consequence: missense variant. On other transcripts: non-coding transcript variant (4).
Genome position (GRCh38, 1-based): chr12:109,595,029, A>G. VCF-style: chr12-109595029-A-G. GRCh37 (hg19) VCF-style: chr12-110032834-A-G.
Other names: c.887A>G, p.Glu296Gly (NM_001114185.3, NM_001414511.1, NM_001414513.1); c.731A>G, p.Glu244Gly (NM_001301182.2, NM_001414514.1); c.962A>G, p.Glu321Gly (NM_001414512.1); c.305A>G, p.Glu102Gly (NM_001414515.1); short protein forms E102G, E244G, E296G, E321G.
Identifiers: ClinVar variation 3768473 (VCV003768473.1).
Genomic context (GRCh38, chr12:109,595,029, plus strand): 5'-GGCATAGGACCTTGGCCTCAGGCAGGCCAAGTGGGAACAGATGGAACCTTCTCCCCTAGG[A>G]GCTCATTGACATGAACCAGCACCATCTGAATGCCCTCGGCGTGGGCCACGCCTCTCTGGA-3'
Protein context (NP_000422.1, residues 286-306): PAPEQYLVLE[Glu296Gly]LIDMNQHHLN